The following is an entry in ClinVar:

ClinVar aggregate classification (germline): Conflicting classifications of pathogenicity. Review status: criteria provided, conflicting classifications (1 of 4 stars). 3 submissions from 3 submitters: Uncertain significance (1); Likely benign (2). Last evaluated 2025-11-10.

Conditions:
Inborn genetic diseases. Identifiers: MedGen C0950123, MeSH D030342.

Allele frequency attached by ClinVar (database versions not stated): ExAC 0.00002; gnomAD exomes 0.00004 and 0.00019; TOPMed 0.00006; gnomAD 0.00007; ESP Exome Variant Server 0.00008.
gnomAD v4.1: 280 of 1,613,520 alleles (0.017%); highest among the groups gnomAD compares: Non-Finnish European, 0.023%; no homozygotes.

Submissions (3):

Labcorp Genetics (formerly Invitae), Labcorp
Classification: Uncertain significance. Last evaluated: 2025-11-10. Review status: criteria provided, single submitter. Criteria: Invitae Variant Classification Sherloc (09022015). Collection method: clinical testing. Allele origin: germline.
Comment: This sequence change replaces isoleucine, which is neutral and non-polar, with threonine, which is neutral and polar, at codon 212 of the TNNT3 protein (p.Ile212Thr). This variant is present in population databases (rs373807514, gnomAD 0.008%). This variant has not been reported in the literature in individuals affected with TNNT3-related conditions. ClinVar contains an entry for this variant (Variation ID: 806593). An algorithm developed to predict the effect of missense changes on protein structure and function outputs the following: PolyPhen-2: "Benign". The threonine amino acid residue is found in multiple mammalian species, which suggests that this missense change does not adversely affect protein function. In summary, the available evidence is currently insufficient to determine the role of this variant in disease. Therefore, it has been classified as a Variant of Uncertain Significance.

Ambry Genetics
Classification: Likely benign for Inborn genetic diseases. Last evaluated: 2023-10-30. Review status: criteria provided, single submitter. Criteria: Ambry Variant Classification Scheme 2023. Collection method: clinical testing. Allele origin: germline.

CeGaT Center for Human Genetics Tuebingen
Classification: Likely benign. Last evaluated: 2018-03-01. Review status: criteria provided, single submitter. Criteria: CeGaT Center For Human Genetics Tuebingen Variant Classification Criteria Version 2. Collection method: clinical testing. Allele origin: germline. Affected: yes. Observed: 1 variant allele.

NM_006757.4(TNNT3):c.635T>C (p.Ile212Thr)

Gene: TNNT3 (troponin T3, fast skeletal type; plus strand). Cytogenetic location: 11p15.5.
Variant type: single nucleotide variant.
Coding change: c.635T>C on transcript NM_006757.4 (MANE Select); coding-DNA position 635, T replaced by C.
Protein change: p.Ile212Thr; replaces isoleucine 212 with threonine.
Molecular consequence: missense variant.
Genome position (GRCh38, 1-based): chr11:1,934,873, T>C. VCF-style: chr11-1934873-T-C. GRCh37 (hg19) VCF-style: chr11-1956103-T-C.
Other names: c.611T>C, p.Ile204Thr (NM_001042780.3, NM_001042782.3, NM_001297646.2 and 2 more transcripts); c.629T>C, p.Ile210Thr (NM_001042781.3, NM_001367842.1, NM_001367843.1); c.644T>C, p.Ile215Thr (NM_001363561.2, NM_001367847.1); c.668T>C, p.Ile223Thr (NM_001367846.1); c.632T>C, p.Ile211Thr (NM_001367848.1); c.623T>C, p.Ile208Thr (NM_001367849.1); c.578T>C, p.Ile193Thr (NM_001367850.1); c.431T>C, p.Ile144Thr (NM_001367851.1, NM_001367852.1); and 1 more; short protein forms I144T, I215T, I204T, I193T, I208T, I210T, I211T, I212T.
Identifiers: ClinVar variation 806593 (VCV000806593.49), dbSNP rs373807514, ClinGen allele CA5816564.